The following is an entry in ClinVar:

ClinVar aggregate classification (germline): Uncertain significance (1 of 4 stars; one submission).

Submission:

GeneDx
Classification: Uncertain significance. Last evaluated: 2025-08-04. Review status: criteria provided, single submitter. Criteria: GeneDx Variant Classification Process June 2021. Collection method: clinical testing. Allele origin: germline.
Comment: Not observed at significant frequency in large population cohorts (gnomAD); In silico analysis supports that this missense variant does not alter protein structure/function; Has not been previously published as pathogenic or benign to our knowledge

NM_002471.4(MYH6):c.1456C>A (p.Leu486Met)

Gene: MYH6 (myosin heavy chain 6; minus strand). Cytogenetic location: 14q11.2.
Variant type: single nucleotide variant.
Coding change: c.1456C>A on transcript NM_002471.4 (MANE Select); coding-DNA position 1456, C replaced by A.
Protein change: p.Leu486Met; replaces leucine 486 with methionine.
Molecular consequence: missense variant.
Genome position (GRCh38, 1-based): chr14:23,400,381, G>T on the plus strand (C>A on the coding strand, the complement: MYH6 is on the minus strand). VCF-style: chr14-23400381-G-T. GRCh37 (hg19) VCF-style: chr14-23869590-G-T.
Other names: short protein forms L486M.
Identifiers: ClinVar variation 2663610 (VCV002663610.2), dbSNP rs2502191748, ClinGen allele CA389022922.